The following is an entry in ClinVar:

ClinVar aggregate classification (germline): Pathogenic (1 of 4 stars; one submission).

Conditions:
Multiple congenital exostosis (EXT). Also called: MULTIPLE CARTILAGINOUS EXOSTOSES; Multiple exostoses; Hereditary multiple osteochondromas; Hereditary multiple exostoses; Hereditary multiple exostosis; Multiple osteochondromas. Identifiers: Orphanet 321, MedGen C0015306, MONDO:0005508, HP:0002762.

Submission:

Labcorp Genetics (formerly Invitae), Labcorp
Classification: Pathogenic for Multiple congenital exostosis. Last evaluated: 2025-01-12. Review status: criteria provided, single submitter. Criteria: Invitae Variant Classification Sherloc (09022015). Collection method: clinical testing. Allele origin: germline.
Comment: This sequence change creates a premature translational stop signal (p.Lys666*) in the EXT1 gene. It is expected to result in an absent or disrupted protein product. Loss-of-function variants in EXT1 are known to be pathogenic (PMID: 10679937, 11391482, 19810120). This variant is not present in population databases (gnomAD no frequency). This variant has not been reported in the literature in individuals affected with EXT1-related conditions. For these reasons, this variant has been classified as Pathogenic.

Literature cited by the submitters: PubMed 10679937; PubMed 11391482; PubMed 19810120.

NM_000127.3(EXT1):c.1996A>T (p.Lys666Ter)

Gene: EXT1 (exostosin glycosyltransferase 1; minus strand). Cytogenetic location: 8q24.11.
Variant type: single nucleotide variant.
Coding change: c.1996A>T on transcript NM_000127.3 (MANE Select); coding-DNA position 1996, A replaced by T.
Protein change: p.Lys666Ter; replaces lysine 666 with a stop codon.
Molecular consequence: nonsense.
Genome position (GRCh38, 1-based): chr8:117,804,781, T>A on the plus strand (A>T on the coding strand, the complement: EXT1 is on the minus strand). VCF-style: chr8-117804781-T-A. GRCh37 (hg19) VCF-style: chr8-118817020-T-A.
Other names: short protein forms K666*.
Identifiers: ClinVar variation 3724233 (VCV003724233.2).